The following is an entry in ClinVar:

Conditions:
Breast-ovarian cancer, familial, susceptibility to, 1 (BROVCA1). Also called: BRCA1 Hereditary Breast and Ovarian Cancer; OVARIAN CANCER, SUSCEPTIBILITY TO. Identifiers: Orphanet 145, MedGen C2676676, MONDO:0011450, OMIM 604370. Disease mechanism: loss of function.

Submission:

Brotman Baty Institute, University of Washington
No classification provided (evidence only). Condition: Breast-ovarian cancer, familial 1. Review status: no classification provided. Collection method: in vitro. Allele origin: not applicable. Functional consequence: functionally_normal.
ClinVar note: "not provided" was previously submitted as the classification for the variant. However, the classification appeared to be based only on an observation of functional data so it was converted to no classification on 2025-07-30.

NM_007294.4(BRCA1):c.295T>C (p.Leu99=)

Gene: BRCA1 (BRCA1 DNA repair associated; minus strand). Cytogenetic location: 17q21.31.
Variant type: single nucleotide variant.
Coding change: c.295T>C on transcript NM_007294.4 (MANE Select); coding-DNA position 295, T replaced by C.
Protein change: p.Leu99=; no amino-acid change (leucine 99 retained).
Molecular consequence: synonymous variant. On other transcripts: 5 prime UTR variant (7), intron variant (5).
Genome position (GRCh38, 1-based): chr17:43,104,874, A>G on the plus strand (T>C on the coding strand, the complement: BRCA1 is on the minus strand). VCF-style: chr17-43104874-A-G. GRCh37 (hg19) VCF-style: chr17-41256891-A-G.
Other names: c.295T>C, p.Leu99= (NM_001408400.1, NM_001408401.1, NM_001408402.1 and 165 more transcripts); c.217T>C, p.Leu73= (NM_001408409.1, NM_001408411.1, NM_001408412.1 and 21 more transcripts); c.154T>C, p.Leu52= (NM_001408410.1, NM_001408452.1, NM_001408453.1 and 99 more transcripts); c.163T>C, p.Leu55= (NM_001408451.1); c.85T>C, p.Leu29= (NM_001408478.1, NM_001408479.1, NM_001408480.1 and 58 more transcripts); c.-87T>C (NM_001408510.1, NM_001408512.1, NM_001407959.1 and 4 more transcripts); c.-218-10014T>C (NM_001407967.1, NM_001407966.1); c.292+3T>C (NM_001408408.1, NM_001407647.1, NM_001407646.1).
Identifiers: ClinVar variation 868364 (VCV000868364.3), dbSNP rs2054671155, ClinGen allele CA500127447.
Genomic context (GRCh38, chr17:43,104,874, plus strand): 5'-CTGAGTTTTCATGGACAGCACTTGAGTGTCATTCTTGGGATATTCAACACTTACACTCCA[A>G]ACCTGTGTCAAGCTGAAAAGCACAAATGATTTTCAATAGCTCTTCAACAAGTTGACTAAA-3'
Protein context (NP_009225.1, residues 89-109): IICAFQLDTG[Leu99=]EYANSYNFAK